The following is an entry in ClinVar:

NM_001130438.3(SPTAN1):c.593T>C (p.Met198Thr)

Gene: SPTAN1 (spectrin alpha, non-erythrocytic 1; plus strand). Cytogenetic location: 9q34.11.
Variant type: single nucleotide variant.
Coding change: c.593T>C on transcript NM_001130438.3 (MANE Select); coding-DNA position 593, T replaced by C.
Protein change: p.Met198Thr; replaces methionine 198 with threonine.
Molecular consequence: missense variant.
Genome position (GRCh38, 1-based): chr9:128,575,287, T>C. VCF-style: chr9-128575287-T-C. GRCh37 (hg19) VCF-style: chr9-131337566-T-C.
Other names: c.593T>C, p.Met198Thr (NM_001195532.2, NM_001363759.2, NM_001363765.2 and 1 more transcripts); short protein forms M198T.
Identifiers: ClinVar variation 658841 (VCV000658841.11), dbSNP rs924110992, ClinGen allele CA200430477.
Genomic context (GRCh38, chr9:128,575,287, plus strand): 5'-GCCAGGATCTGGAGCATGTAGAGGTTTTACAGAAGAAATTTGAAGAGTTTCAAACAGATA[T>C]GGCTGCTCATGAAGAAAGAGTTAATGAAGTGAACCAGTTTGCTGCCAAACTCATACAGGT-3'
Protein context (NP_001123910.1, residues 188-208): QKKFEEFQTD[Met198Thr]AAHEERVNEV

ClinVar aggregate classification (germline): Uncertain significance (1 of 4 stars; one submission).

Conditions:
Early-infantile DEE. Also called: Early infantile epileptic encephalopathy with suppression bursts; Ohtahara syndrome; Early infantile epileptic encephalopathy. Identifiers: Orphanet 1934, MedGen C0393706, MONDO:0800491.

Allele frequency attached by ClinVar (database versions not stated): gnomAD 0.00001; gnomAD exomes 0.00001.

Submission:

Labcorp Genetics (formerly Invitae), Labcorp
Classification: Uncertain significance for Early-infantile DEE. Last evaluated: 2024-10-24. Review status: criteria provided, single submitter. Criteria: Invitae Variant Classification Sherloc (09022015). Collection method: clinical testing. Allele origin: germline.
Comment: This sequence change replaces methionine, which is neutral and non-polar, with threonine, which is neutral and polar, at codon 198 of the SPTAN1 protein (p.Met198Thr). This variant is not present in population databases (gnomAD no frequency). This variant has not been reported in the literature in individuals affected with SPTAN1-related conditions. ClinVar contains an entry for this variant (Variation ID: 658841). Invitae Evidence Modeling of protein sequence and biophysical properties (such as structural, functional, and spatial information, amino acid conservation, physicochemical variation, residue mobility, and thermodynamic stability) has been performed for this missense variant. However, the output from this modeling did not meet the statistical confidence thresholds required to predict the impact of this variant on SPTAN1 protein function. In summary, the available evidence is currently insufficient to determine the role of this variant in disease. Therefore, it has been classified as a Variant of Uncertain Significance.